The following is an entry in ClinVar:

NM_000051.4(ATM):c.6007-11C>T

Genes: ATM (ATM serine/threonine kinase; plus strand), C11orf65 (chromosome 11 open reading frame 65; minus strand). Cytogenetic location: 11q22.3.
Variant type: single nucleotide variant.
Coding change: c.6007-11C>T on transcript NM_000051.4 (MANE Select); 11 bases into the intron before coding-DNA position 6007, C replaced by T.
Molecular consequence: intron variant.
Genome position (GRCh38, 1-based): chr11:108,315,812, C>T. VCF-style: chr11-108315812-C-T. GRCh37 (hg19) VCF-style: chr11-108186539-C-T.
Other names: c.6007-11C>T (NM_001351834.2); c.641-6741G>A (NM_001330368.2); c.*39-6741G>A (NM_001351110.2).
Identifiers: ClinVar variation 1563405 (VCV001563405.10), dbSNP rs764191468, ClinGen allele CA6265835.

ClinVar aggregate classification (germline): Likely benign. Review status: criteria provided, multiple submitters, no conflicts (2 of 4 stars). 2 submissions from 2 submitters: Likely benign (2). Last evaluated 2025-05-30.

Conditions:
Ataxia-telangiectasia syndrome (AT). Also called: LOUIS-BAR SYNDROME; Cerebello-oculocutaneous telangiectasia; Immunodeficiency with ataxia telangiectasia; Ataxia telangiectasia (A-T); Ataxia-telangiectasia, complementation group D; AT, COMPLEMENTATION GROUP C. Identifiers: Orphanet 100, MedGen C0004135, MONDO:0008840, OMIM 208900.
Familial cancer of breast. Also called: BREAST CANCER, FAMILIAL; Hereditary breast cancer; hereditary breast carcinoma. Identifiers: Orphanet 227535, MedGen C0346153, MONDO:0016419, OMIM 114480. Disease mechanism: loss of function.

Allele frequency attached by ClinVar (database versions not stated): ExAC 0.00001; gnomAD exomes below 0.00001.
gnomAD v4.1: 1 of 1,604,536 alleles (0.000062%); highest among the groups gnomAD compares: Non-Finnish European, 0.000085%; no homozygotes.

Submissions (2):

Labcorp Genetics (formerly Invitae), Labcorp
Classification: Likely benign for Ataxia-telangiectasia syndrome. Last evaluated: 2025-05-30. Review status: criteria provided, single submitter. Criteria: Invitae Variant Classification Sherloc (09022015). Collection method: clinical testing. Allele origin: germline.

Myriad Genetics, Inc.
Classification: Likely benign for Familial cancer of breast. Last evaluated: 2024-05-28. Review status: criteria provided, single submitter. Criteria: Myriad Autosomal Dominant, Autosomal Recessive and X-Linked Classification Criteria (2023). Collection method: clinical testing. Allele origin: unknown.
Comment: This variant is considered likely benign. This variant is intronic and is not expected to impact mRNA splicing.